The following is an entry in ClinVar:

NM_001384910.1(GUCA1A):c.209A>G (p.Tyr70Cys)

Genes: GUCA1A (guanylate cyclase activator 1A; plus strand), GUCA1ANB-GUCA1A (GUCA1ANB-GUCA1A readthrough; plus strand). Cytogenetic location: 6p21.1.
Variant type: single nucleotide variant.
Coding change: c.209A>G on transcript NM_001384910.1 (MANE Select); coding-DNA position 209, A replaced by G.
Protein change: p.Tyr70Cys; replaces tyrosine 70 with cysteine.
Molecular consequence: missense variant.
Genome position (GRCh38, 1-based): chr6:42,178,287, A>G. VCF-style: chr6-42178287-A-G. GRCh37 (hg19) VCF-style: chr6-42146025-A-G.
Other names: c.209A>G, p.Tyr70Cys (NM_000409.5, NM_001319061.2, NM_001319062.2); short protein forms Y70C.
Identifiers: ClinVar variation 3632132 (VCV003632132.2).

ClinVar aggregate classification (germline): Uncertain significance (1 of 4 stars; one submission).

gnomAD v4.1: 5 of 1,613,824 alleles (0.00031%); highest among the groups gnomAD compares: Non-Finnish European, 0.00042%; no homozygotes.

Submission:

Labcorp Genetics (formerly Invitae), Labcorp
Classification: Uncertain significance. Last evaluated: 2024-12-19. Review status: criteria provided, single submitter. Criteria: Invitae Variant Classification Sherloc (09022015). Collection method: clinical testing. Allele origin: germline.
Comment: This sequence change replaces tyrosine, which is neutral and polar, with cysteine, which is neutral and slightly polar, at codon 70 of the GUCA1A protein (p.Tyr70Cys). This variant is present in population databases (rs769304767, gnomAD 0.003%). This variant has not been reported in the literature in individuals affected with GUCA1A-related conditions. An algorithm developed to predict the effect of missense changes on protein structure and function (PolyPhen-2) suggests that this variant is likely to be tolerated. In summary, the available evidence is currently insufficient to determine the role of this variant in disease. Therefore, it has been classified as a Variant of Uncertain Significance.